The following is an entry in ClinVar:

NM_020812.4(DOCK6):c.761G>A (p.Arg254His)

Gene: DOCK6 (dedicator of cytokinesis 6; minus strand). Cytogenetic location: 19p13.2.
Variant type: single nucleotide variant.
Coding change: c.761G>A on transcript NM_020812.4 (MANE Select); coding-DNA position 761, G replaced by A.
Protein change: p.Arg254His; replaces arginine 254 with histidine.
Molecular consequence: missense variant.
Genome position (GRCh38, 1-based): chr19:11,248,111, C>T on the plus strand (G>A on the coding strand, the complement: DOCK6 is on the minus strand). VCF-style: chr19-11248111-C-T. GRCh37 (hg19) VCF-style: chr19-11358787-C-T.
Other names: c.761G>A, p.Arg254His (NM_001367830.1); short protein forms R254H.
Identifiers: ClinVar variation 1964211 (VCV001964211.4), dbSNP rs377080101, ClinGen allele CA9208351.

ClinVar aggregate classification (germline): Uncertain significance (1 of 4 stars; one submission).

Allele frequency attached by ClinVar (database versions not stated): gnomAD 0.00001; TOPMed 0.00001; ESP Exome Variant Server 0.00008.
gnomAD v4.1: 10 of 1,453,110 alleles (0.00069%); highest among the groups gnomAD compares: Middle Eastern, 0.038%; no homozygotes.

Submission:

Labcorp Genetics (formerly Invitae), Labcorp
Classification: Uncertain significance. Last evaluated: 2024-04-30. Review status: criteria provided, single submitter. Criteria: Invitae Variant Classification Sherloc (09022015). Collection method: clinical testing. Allele origin: germline.
Comment: This sequence change replaces arginine, which is basic and polar, with histidine, which is basic and polar, at codon 254 of the DOCK6 protein (p.Arg254His). The frequency data for this variant in the population databases is considered unreliable, as metrics indicate poor data quality at this position in the gnomAD database. This variant has not been reported in the literature in individuals affected with DOCK6-related conditions. ClinVar contains an entry for this variant (Variation ID: 1964211). Advanced modeling of protein sequence and biophysical properties (such as structural, functional, and spatial information, amino acid conservation, physicochemical variation, residue mobility, and thermodynamic stability) performed at Invitae indicates that this missense variant is not expected to disrupt DOCK6 protein function with a negative predictive value of 80%. In summary, the available evidence is currently insufficient to determine the role of this variant in disease. Therefore, it has been classified as a Variant of Uncertain Significance.